The following is an entry in ClinVar:

ClinVar aggregate classification (germline): Uncertain significance (1 of 4 stars; one submission).

Conditions:
Noonan syndrome 9 (NS9). Identifiers: Orphanet 648, MedGen C4225282, MONDO:0014691, OMIM 616559.

Submission:

Labcorp Genetics (formerly Invitae), Labcorp
Classification: Uncertain significance for Noonan syndrome 9. Last evaluated: 2026-01-04. Review status: criteria provided, single submitter. Criteria: Invitae Variant Classification Sherloc (09022015). Collection method: clinical testing. Allele origin: germline.
Comment: This sequence change replaces threonine, which is neutral and polar, with serine, which is neutral and polar, at codon 1309 of the SOS2 protein (p.Thr1309Ser). This variant is not present in population databases (gnomAD no frequency). This variant has not been reported in the literature in individuals affected with SOS2-related conditions. Invitae Evidence Modeling of protein sequence and biophysical properties (such as structural, functional, and spatial information, amino acid conservation, physicochemical variation, residue mobility, and thermodynamic stability) indicates that this missense variant is not expected to disrupt SOS2 protein function with a negative predictive value of 95%. In summary, the available evidence is currently insufficient to determine the role of this variant in disease. Therefore, it has been classified as a Variant of Uncertain Significance.

NM_006939.4(SOS2):c.3926C>G (p.Thr1309Ser)

Gene: SOS2 (SOS Ras/Rho guanine nucleotide exchange factor 2; minus strand). Cytogenetic location: 14q21.3.
Variant type: single nucleotide variant.
Coding change: c.3926C>G on transcript NM_006939.4 (MANE Select); coding-DNA position 3926, C replaced by G.
Protein change: p.Thr1309Ser; replaces threonine 1309 with serine.
Molecular consequence: missense variant.
Genome position (GRCh38, 1-based): chr14:50,118,417, G>C on the plus strand (C>G on the coding strand, the complement: SOS2 is on the minus strand). VCF-style: chr14-50118417-G-C. GRCh37 (hg19) VCF-style: chr14-50585135-G-C.
Other names: c.3827C>G, p.Thr1276Ser (NM_001411020.1); short protein forms T1276S, T1309S.
Identifiers: ClinVar variation 4709550 (VCV004709550.1).